The following is an entry in ClinVar:

ClinVar aggregate classification (germline): Uncertain significance (1 of 4 stars; one submission).

Allele frequency attached by ClinVar (database versions not stated): TOPMed below 0.00001; gnomAD 0.00001; gnomAD exomes 0.00001 and 0.00003; ExAC 0.00002.
gnomAD v4.1: 45 of 1,611,394 alleles (0.0028%); highest among the groups gnomAD compares: Non-Finnish European, 0.0035%; no homozygotes.

Submission:

GeneDx
Classification: Uncertain significance. Last evaluated: 2017-03-22. Review status: criteria provided, single submitter. Criteria: GeneDx Variant Classification (06012015). Collection method: clinical testing. Allele origin: germline. Affected: yes.
Comment: A variant of uncertain significance has been identified in the DYRK1A gene. The c.-1 G>A variant has not been published as a pathogenic variant, nor has it been reported as a benign variant to our knowledge. The c.-1 G>A variant is observed in 2/66452 (0.003%) alleles from individuals of European background (Lek et al., 2016; 1000 Genomes Consortium et al., 2015; Exome Variant Server). The c.-1 G>A variant alters a position that is conserved in the Kozak sequence, which plays a role in the initiation of protein translation. However, in the absence of RNA/functional studies, the actual effect of the c.-1 G>A variant in this individual is uncertain. Additionally, to our knowledge, no regulatory variants have been reported in the DYRK1A gene in association with DYRK1A-related disorders (Stenson et al., 2014). Therefore, based on the currently available information, it is unclear whether this variant is a pathogenic variant or a rare benign variant.

NM_001347721.2(DYRK1A):c.-1G>A

Gene: DYRK1A (dual specificity tyrosine phosphorylation regulated kinase 1A; plus strand). Cytogenetic location: 21q22.13.
Variant type: single nucleotide variant.
Coding change: c.-1G>A on transcript NM_001347721.2 (MANE Select); 1 bases upstream of the start codon, G replaced by A.
Molecular consequence: 5 prime UTR variant. On other transcripts: intron variant (1).
Genome position (GRCh38, 1-based): chr21:37,420,374, G>A. VCF-style: chr21-37420374-G-A. GRCh37 (hg19) VCF-style: chr21-38792676-G-A.
Other names: c.-1G>A (NM_001347722.2, NM_001396.5, NM_101395.2 and 2 more transcripts); c.-77-52310G>A (NM_001347723.2).
Identifiers: ClinVar variation 424477 (VCV000424477.2), dbSNP rs780371719, ClinGen allele CA10023649.